The following is an entry in ClinVar:

ClinVar aggregate classification (germline): Benign (1 of 4 stars; one submission).

Allele frequency attached by ClinVar (database versions not stated): gnomAD 0.91892; TOPMed 0.92979; 1000 Genomes Project 0.96086; 1000 Genomes Project 30x 0.96205.
gnomAD v4.1: 140,554 of 152,248 alleles (92%); highest among the groups gnomAD compares: East Asian, 100%; 65,034 homozygotes.

Submission:

GeneDx
Classification: Benign. Last evaluated: 2018-06-16. Review status: criteria provided, single submitter. Criteria: GeneDx Variant Classification (06012015). Collection method: clinical testing. Allele origin: germline. Affected: yes.
Comment: This variant is considered likely benign or benign based on one or more of the following criteria: it is a conservative change, it occurs at a poorly conserved position in the protein, it is predicted to be benign by multiple in silico algorithms, and/or has population frequency not consistent with disease.

NM_001184.4(ATR):c.5288+248T>C

Gene: ATR (ATR serine/threonine kinase; minus strand). Cytogenetic location: 3q23.
Variant type: single nucleotide variant.
Coding change: c.5288+248T>C on transcript NM_001184.4 (MANE Select); 248 bases into the intron after coding-DNA position 5288, T replaced by C.
Molecular consequence: intron variant.
Genome position (GRCh38, 1-based): chr3:142,503,114, A>G on the plus strand (T>C on the coding strand, the complement: ATR is on the minus strand). VCF-style: chr3-142503114-A-G. GRCh37 (hg19) VCF-style: chr3-142221956-A-G.
Other names: c.5096+248T>C (NM_001354579.2).
Identifiers: ClinVar variation 678106 (VCV000678106.1), dbSNP rs9856772, ClinGen allele CA84765469.